The following is an entry in ClinVar:

NM_005120.3(MED12):c.6268-3T>C

Gene: MED12 (mediator complex subunit 12; plus strand). Cytogenetic location: Xq13.1.
Variant type: single nucleotide variant.
Coding change: c.6268-3T>C on transcript NM_005120.3 (MANE Select); 3 bases into the intron before coding-DNA position 6268, T replaced by C.
Molecular consequence: intron variant.
Genome position (GRCh38, 1-based): chrX:71,141,227, T>C. VCF-style: chrX-71141227-T-C. GRCh37 (hg19) VCF-style: chrX-70361077-T-C.
Identifiers: ClinVar variation 2979238 (VCV002979238.3), dbSNP rs752864888, ClinGen allele CA330985215.

ClinVar aggregate classification (germline): Uncertain significance (1 of 4 stars; one submission).

Conditions:
FG syndrome (FGS). Identifiers: MedGen C0220769, MONDO:0002010.

Allele frequency attached by ClinVar (database versions not stated): gnomAD exomes below 0.00001; gnomAD 0.00001; 1000 Genomes Project 0.00026.
gnomAD v4.1: 4 of 1,152,873 alleles (0.00035%); highest among the groups gnomAD compares: East Asian, 0.0033%; no homozygotes.

Submission:

Labcorp Genetics (formerly Invitae), Labcorp
Classification: Uncertain significance for FG syndrome. Last evaluated: 2024-11-18. Review status: criteria provided, single submitter. Criteria: Invitae Variant Classification Sherloc (09022015). Collection method: clinical testing. Allele origin: germline.
Comment: This sequence change falls in intron 42 of the MED12 gene. It does not directly change the encoded amino acid sequence of the MED12 protein. It affects a nucleotide within the consensus splice site. The frequency data for this variant in the population databases is considered unreliable, as metrics indicate poor data quality at this position in the gnomAD database. This variant has not been reported in the literature in individuals affected with MED12-related conditions. ClinVar contains an entry for this variant (Variation ID: 2979238). Variants that disrupt the consensus splice site are a relatively common cause of aberrant splicing (PMID: 17576681, 9536098). Algorithms developed to predict the effect of sequence changes on RNA splicing suggest that this variant is not likely to affect RNA splicing. In summary, the available evidence is currently insufficient to determine the role of this variant in disease. Therefore, it has been classified as a Variant of Uncertain Significance.

Literature cited by the submitters: PubMed 17576681; PubMed 9536098.